The following is an entry in ClinVar:

ClinVar aggregate classification (germline): Uncertain significance (1 of 4 stars; one submission).

gnomAD v4.1: 1 of 1,614,180 alleles (0.000062%); highest among the groups gnomAD compares: Non-Finnish European, 0.000085%; no homozygotes.

Submission:

Labcorp Genetics (formerly Invitae), Labcorp
Classification: Uncertain significance. Last evaluated: 2026-01-06. Review status: criteria provided, single submitter. Criteria: Invitae Variant Classification Sherloc (09022015). Collection method: clinical testing. Allele origin: germline.
Comment: This sequence change replaces glutamic acid, which is acidic and polar, with glutamine, which is neutral and polar, at codon 626 of the NFKB1 protein (p.Glu626Gln). This variant is present in population databases (no rsID available, gnomAD 0.0009%). This variant has not been reported in the literature in individuals affected with NFKB1-related conditions. An algorithm developed to predict the effect of missense changes on protein structure and function (PolyPhen-2) suggests that this variant is likely to be tolerated. In summary, the available evidence is currently insufficient to determine the role of this variant in disease. Therefore, it has been classified as a Variant of Uncertain Significance.

NM_003998.4(NFKB1):c.1876G>C (p.Glu626Gln)

Gene: NFKB1 (nuclear factor kappa B subunit 1; plus strand). Cytogenetic location: 4q24.
Variant type: single nucleotide variant.
Coding change: c.1876G>C on transcript NM_003998.4 (MANE Select); coding-DNA position 1876, G replaced by C.
Protein change: p.Glu626Gln; replaces glutamic acid 626 with glutamine.
Molecular consequence: missense variant.
Genome position (GRCh38, 1-based): chr4:102,606,619, G>C. VCF-style: chr4-102606619-G-C. GRCh37 (hg19) VCF-style: chr4-103527776-G-C.
Other names: c.1873G>C, p.Glu625Gln (NM_001165412.2, NM_001319226.2, NM_001382627.1); c.1876G>C, p.Glu626Gln (NM_001382625.1, NM_001382626.1); c.1834G>C, p.Glu612Gln (NM_001382628.1); short protein forms E626Q, E612Q, E625Q.
Identifiers: ClinVar variation 4778643 (VCV004778643.1).
Genomic context (GRCh38, chr4:102,606,619, plus strand): 5'-GGGGCCGACCTGAGCCTTCTGGACCGCTTGGGTAACTCTGTTTTGCACCTAGCTGCCAAA[G>C]AAGGACATGATAAAGTTCTCAGTATCTTACTCAAGCACAAAAAGGCAGCACTACTTCTTG-3'
Protein context (NP_003989.2, residues 616-636): GNSVLHLAAK[Glu626Gln]GHDKVLSILL